The following is an entry in ClinVar:

ClinVar aggregate classification (germline): Uncertain significance. Review status: criteria provided, multiple submitters, no conflicts (2 of 4 stars). 2 submissions from 2 submitters: Uncertain significance (2). Last evaluated 2022-01-06.

Conditions:
Methylmalonic aciduria due to methylmalonyl-CoA mutase deficiency (MAMM). Also called: Methylmalonic aciduria, mut type. Identifiers: Orphanet 27, MedGen C1855114, MONDO:0009612, OMIM 251000.

Allele frequency attached by ClinVar (database versions not stated): gnomAD exomes below 0.00001 and 0.00001; ExAC 0.00001; gnomAD 0.00003 and 0.00004; ESP Exome Variant Server 0.00008.
gnomAD v4.1: 7 of 1,613,336 alleles (0.00043%); highest among the groups gnomAD compares: African/African-American, 0.0053%; no homozygotes.

Submissions (2):

Fulgent Genetics
Classification: Uncertain significance for Methylmalonic aciduria due to methylmalonyl-CoA mutase deficiency. Last evaluated: 2022-01-06. Review status: criteria provided, single submitter. Criteria: ACMG Guidelines, 2015. Collection method: clinical testing. Allele origin: unknown.

Labcorp Genetics (formerly Invitae), Labcorp
Classification: Uncertain significance. Last evaluated: 2021-10-22. Review status: criteria provided, single submitter. Criteria: Invitae Variant Classification Sherloc (09022015). Collection method: clinical testing. Allele origin: germline.
Comment: This sequence change replaces alanine with valine at codon 536 of the MUT protein (p.Ala536Val). The alanine residue is highly conserved and there is a small physicochemical difference between alanine and valine. This variant is present in population databases (rs369902876, ExAC 0.01%). This variant has not been reported in the literature in individuals affected with MUT-related conditions. Algorithms developed to predict the effect of missense changes on protein structure and function are either unavailable or do not agree on the potential impact of this missense change (SIFT: "Deleterious"; PolyPhen-2: "Benign"; Align-GVGD: "Class C0"). In summary, the available evidence is currently insufficient to determine the role of this variant in disease. Therefore, it has been classified as a Variant of Uncertain Significance.

NM_000255.4(MMUT):c.1607C>T (p.Ala536Val)

Gene: MMUT (methylmalonyl-CoA mutase; minus strand). Cytogenetic location: 6p12.3.
Variant type: single nucleotide variant.
Coding change: c.1607C>T on transcript NM_000255.4 (MANE Select); coding-DNA position 1607, C replaced by T.
Protein change: p.Ala536Val; replaces alanine 536 with valine.
Molecular consequence: missense variant.
Genome position (GRCh38, 1-based): chr6:49,444,708, G>A on the plus strand (C>T on the coding strand, the complement: MMUT is on the minus strand). VCF-style: chr6-49444708-G-A. GRCh37 (hg19) VCF-style: chr6-49412421-G-A.
Other names: short protein forms A536V.
Identifiers: ClinVar variation 1525899 (VCV001525899.4), dbSNP rs369902876, ClinGen allele CA3846807.
Genomic context (GRCh38, chr6:49,444,708, plus strand): 5'-GATGCATCCACTGCAAGAGCCAGGATATTTCCATCTCCGCTAGCAGCACATTCGGTTAGT[G>A]CAGCAAGACAACGTTCAGCCAAAGCTTGATCCCTGCTGGATTTGATCTATGGAAAAAGTC-3'
Protein context (NP_000246.2, residues 526-546): DQALAERCLA[Ala536Val]LTECAASGDG